The following is an entry in ClinVar:

NM_003235.5(TG):c.1054C>T (p.Gln352Ter)

Gene: TG (thyroglobulin; plus strand). Cytogenetic location: 8q24.22.
Variant type: single nucleotide variant.
Coding change: c.1054C>T on transcript NM_003235.5 (MANE Select); coding-DNA position 1054, C replaced by T.
Protein change: p.Gln352Ter; replaces glutamine 352 with a stop codon.
Molecular consequence: nonsense.
Genome position (GRCh38, 1-based): chr8:132,882,978, C>T. VCF-style: chr8-132882978-C-T. GRCh37 (hg19) VCF-style: chr8-133895223-C-T.
Other names: short protein forms Q352*.
Identifiers: ClinVar variation 3668482 (VCV003668482.2).

ClinVar aggregate classification (germline): Pathogenic (1 of 4 stars; one submission).

gnomAD v4.1: 1 of 1,613,840 alleles (0.000062%); highest among the groups gnomAD compares: African/African-American, 0.0013%; no homozygotes.

Submission:

Labcorp Genetics (formerly Invitae), Labcorp
Classification: Pathogenic. Last evaluated: 2024-03-07. Review status: criteria provided, single submitter. Criteria: Invitae Variant Classification Sherloc (09022015). Collection method: clinical testing. Allele origin: germline.
Comment: This sequence change creates a premature translational stop signal (p.Gln352*) in the TG gene. It is expected to result in an absent or disrupted protein product. Loss-of-function variants in TG are known to be pathogenic (PMID: 19837936, 23164529). This variant is not present in population databases (gnomAD no frequency). This variant has not been reported in the literature in individuals affected with TG-related conditions. Algorithms developed to predict the effect of sequence changes on RNA splicing suggest that this variant may disrupt the consensus splice site. For these reasons, this variant has been classified as Pathogenic.

Literature cited by the submitters: PubMed 19837936; PubMed 23164529.